The following is an entry in ClinVar:

ClinVar aggregate classification (germline): Uncertain significance (1 of 4 stars; one submission).

Conditions:
ANKRD12-related disorder. Also called: ANKRD12-related condition.

Submission:

PreventionGenetics, part of Exact Sciences
Classification: Uncertain significance for ANKRD12-related condition. Last evaluated: 2023-06-27. Review status: criteria provided, single submitter. Criteria: ACMG Guidelines, 2015. Collection method: clinical testing. Allele origin: germline.
Comment: The ANKRD12 c.64G>T variant is predicted to result in the amino acid substitution p.Val22Leu. To our knowledge, this variant has not been reported in the literature or in a large population database, indicating this variant is rare. At this time, the clinical significance of this variant is uncertain due to the absence of conclusive functional and genetic evidence.

NM_015208.5(ANKRD12):c.64G>T (p.Val22Leu)

Gene: ANKRD12 (ankyrin repeat domain 12; plus strand). Cytogenetic location: 18p11.22.
Variant type: single nucleotide variant.
Coding change: c.64G>T on transcript NM_015208.5 (MANE Select); coding-DNA position 64, G replaced by T.
Protein change: p.Val22Leu; replaces valine 22 with leucine.
Molecular consequence: missense variant.
Genome position (GRCh38, 1-based): chr18:9,182,496, G>T. VCF-style: chr18-9182496-G-T. GRCh37 (hg19) VCF-style: chr18-9182494-G-T.
Other names: c.64G>T, p.Val22Leu (NM_001083625.3, NM_001204056.1); short protein forms V22L.
Identifiers: ClinVar variation 2632650 (VCV002632650.1), dbSNP rs1457154804, ClinGen allele CA401870562.